The following is an entry in ClinVar:

NM_000540.3(RYR1):c.9071T>C (p.Val3024Ala)

Gene: RYR1 (ryanodine receptor 1; plus strand). Cytogenetic location: 19q13.2.
Variant type: single nucleotide variant.
Coding change: c.9071T>C on transcript NM_000540.3 (MANE Select); coding-DNA position 9071, T replaced by C.
Protein change: p.Val3024Ala; replaces valine 3024 with alanine.
Molecular consequence: missense variant.
Genome position (GRCh38, 1-based): chr19:38,510,730, T>C. VCF-style: chr19-38510730-T-C. GRCh37 (hg19) VCF-style: chr19-39001370-T-C.
Other names: c.9071T>C, p.Val3024Ala (NM_001042723.2); short protein forms V3024A.
Identifiers: ClinVar variation 648747 (VCV000648747.8), dbSNP rs1568519356, ClinGen allele CA405683826.

ClinVar aggregate classification (germline): Uncertain significance (1 of 4 stars; one submission).

Conditions:
RYR1-related disorder. Also called: RYR1-related disorders; RYR1-related condition. Identifiers: MedGen CN239331.

Submission:

Labcorp Genetics (formerly Invitae), Labcorp
Classification: Uncertain significance for RYR1-related disorder. Last evaluated: 2018-10-30. Review status: criteria provided, single submitter. Criteria: Invitae Variant Classification Sherloc (09022015). Collection method: clinical testing. Allele origin: germline.
Comment: In summary, the available evidence is currently insufficient to determine the role of this variant in disease. Therefore, it has been classified as a Variant of Uncertain Significance. Algorithms developed to predict the effect of missense changes on protein structure and function are either unavailable or do not agree on the potential impact of this missense change (SIFT: "Deleterious"; PolyPhen-2: "Benign"; Align-GVGD: "Class C0"). This variant has not been reported in the literature in individuals with RYR1-related disease. This variant is not present in population databases (ExAC no frequency). This sequence change replaces valine with alanine at codon 3024 of the RYR1 protein (p.Val3024Ala). The valine residue is highly conserved and there is a small physicochemical difference between valine and alanine.